The following is an entry in ClinVar:

NM_001127208.3(TET2):c.307C>T (p.Leu103Phe)

Genes: TET2 (tet methylcytosine dioxygenase 2; plus strand), TET2-AS1 (TET2 antisense RNA 1; minus strand). Cytogenetic location: 4q24.
Variant type: single nucleotide variant.
Coding change: c.307C>T on transcript NM_001127208.3 (MANE Select); coding-DNA position 307, C replaced by T.
Protein change: p.Leu103Phe; replaces leucine 103 with phenylalanine.
Molecular consequence: missense variant.
Genome position (GRCh38, 1-based): chr4:105,234,249, C>T. VCF-style: chr4-105234249-C-T. GRCh37 (hg19) VCF-style: chr4-106155406-C-T.
Other names: c.307C>T, p.Leu103Phe (NM_017628.4); short protein forms L103F.
Identifiers: ClinVar variation 3805916 (VCV003805916.1).

ClinVar aggregate classification (germline): Uncertain significance (1 of 4 stars; one submission).

gnomAD v4.1: 1 of 1,614,136 alleles (0.000062%); highest among the groups gnomAD compares: Non-Finnish European, 0.000085%; no homozygotes.

Submission:

Ambry Genetics
Classification: Uncertain significance. Last evaluated: 2024-12-31. Review status: criteria provided, single submitter. Criteria: Ambry Variant Classification Scheme 2023. Collection method: clinical testing. Allele origin: germline.
Comment: The p.L103F variant (also known as c.307C>T), located in coding exon 1 of the TET2 gene, results from a C to T substitution at nucleotide position 307. The leucine at codon 103 is replaced by phenylalanine, an amino acid with highly similar properties. This amino acid position is conserved. In addition, this alteration is predicted to be tolerated by in silico analysis. Based on the available evidence, the clinical significance of this variant remains unclear.